The following is an entry in ClinVar:

ClinVar aggregate classification (germline): Pathogenic. Review status: criteria provided, multiple submitters, no conflicts (2 of 4 stars). 2 submissions from 2 submitters: Pathogenic (2). Last evaluated 2023-05-23.

Conditions:
Hereditary cancer-predisposing syndrome. Also called: Neoplastic Syndromes, Hereditary; Tumor predisposition; Hereditary Cancer Syndrome; Hereditary neoplastic syndrome. Identifiers: Orphanet 140162, MedGen C0027672, MeSH D009386, MONDO:0015356.
Familial cancer of breast. Also called: BREAST CANCER, FAMILIAL; Hereditary breast cancer; hereditary breast carcinoma. Identifiers: Orphanet 227535, MedGen C0346153, MONDO:0016419, OMIM 114480. Disease mechanism: loss of function.

Submissions (2):

Myriad Genetics, Inc.
Classification: Pathogenic for Familial cancer of breast. Last evaluated: 2023-05-23. Review status: criteria provided, single submitter. Criteria: Myriad Autosomal Dominant, Autosomal Recessive and X-Linked Classification Criteria (2023). Collection method: clinical testing. Allele origin: unknown.
Comment: This variant is considered pathogenic. This variant creates a frameshift predicted to result in premature protein truncation.

Ambry Genetics
Classification: Pathogenic for Hereditary cancer-predisposing syndrome. Last evaluated: 2019-07-17. Review status: criteria provided, single submitter. Criteria: Ambry Variant Classification Scheme 2023. Collection method: clinical testing. Allele origin: germline.
Comment: The c.1656delC variant, located in coding exon 7 of the BARD1 gene, results from a deletion of one nucleotide at nucleotide position 1656, causing a translational frameshift with a predicted alternate stop codon (p.S553Qfs*7). This alteration is expected to result in loss of function by premature protein truncation or nonsense-mediated mRNA decay. As such, this alteration is interpreted as a disease-causing mutation.

NM_000465.4(BARD1):c.1656del (p.Ser553fs)

Gene: BARD1 (BRCA1 associated RING domain 1; minus strand). Cytogenetic location: 2q35.
Variant type: Deletion.
Coding change: c.1656del on transcript NM_000465.4 (MANE Select); coding-DNA position 1656, one base deleted (C; older notation c.1656delC).
Protein change: p.Ser553fs; shifts the reading frame from serine 553.
Molecular consequence: frameshift variant. On other transcripts: non-coding transcript variant (3), intron variant (1).
Genome position (GRCh38, 1-based): chr2:214,752,468, G deleted on the plus strand (C on the coding strand, the reverse complement: BARD1 is on the minus strand); the first of 2 consecutive G bases (chr2:214,752,468-214,752,469); deleting either gives the same sequence. VCF-style (leftmost placement, unchanged base first): chr2-214752467-AG-A. GRCh37 (hg19) VCF-style: chr2-215617191-AG-A.
Other names: c.1599del, p.Ser534fs (NM_001282543.2); c.303del, p.Ser102fs (NM_001282545.2); c.246del, p.Ser83fs (NM_001282548.2); c.365-21960del (NM_001282549.2); short protein forms S102fs, S534fs, S83fs, S553fs.
Identifiers: ClinVar variation 819753 (VCV000819753.6), dbSNP rs1574756047, ClinGen allele CA915941715.